The following is an entry in ClinVar:

NM_018922.3(PCDHGB1):c.2409+9502G>C

Genes: PCDHG@ (protocadherin gamma cluster; plus strand), PCDHGA1 (protocadherin gamma subfamily A, 1; plus strand), PCDHGA2 (protocadherin gamma subfamily A, 2; plus strand), PCDHGA3 (protocadherin gamma subfamily A, 3; plus strand), PCDHGA4 (protocadherin gamma subfamily A, 4; plus strand) and 2 more. Cytogenetic location: 5q31.3.
Variant type: single nucleotide variant.
Coding change: c.2409+9502G>C on transcript NM_018922.3 (MANE Select); 9502 bases into the intron after coding-DNA position 2409, G replaced by C.
Molecular consequence: intron variant. On other transcripts: missense variant (2).
Genome position (GRCh38, 1-based): chr5:141,362,171, G>C. VCF-style: chr5-141362171-G-C. GRCh37 (hg19) VCF-style: chr5-140741738-G-C.
Other names: c.2036G>C, p.Arg679Pro (NM_018923.3, NM_032096.1); c.2421+29066G>C (NM_018912.3); c.2424+20776G>C (NM_018915.4); c.2424+15714G>C (NM_018916.4); c.2514+4550G>C (NM_018917.4); short protein forms R679P.
Identifiers: ClinVar variation 1241435 (VCV001241435.2), dbSNP rs62378417, ClinGen allele CA3469815.

ClinVar aggregate classification (germline): Benign (1 of 4 stars; one submission).

Allele frequency attached by ClinVar (database versions not stated): 1000 Genomes Project 0.12999; 1000 Genomes Project 30x 0.13710; ESP Exome Variant Server 0.14570.
gnomAD v4.1: 152,882 of 1,613,796 alleles (9.5%); highest among the groups gnomAD compares: African/African-American, 29%; 8,932 homozygotes.

Submission:

GeneDx
Classification: Benign. Last evaluated: 2019-01-18. Review status: criteria provided, single submitter. Criteria: GeneDx Variant Classification Process June 2021. Collection method: clinical testing. Allele origin: germline. Affected: yes.
Comment: This variant is associated with the following publications: (PMID: 29409727)